The following is an entry in ClinVar:

ClinVar aggregate classification (germline): Uncertain significance (1 of 4 stars; one submission).

Submission:

GeneDx
Classification: Uncertain significance. Last evaluated: 2025-06-03. Review status: criteria provided, single submitter. Criteria: GeneDx Variant Classification Process June 2021. Collection method: clinical testing. Allele origin: germline. Affected: yes.
Comment: Not observed at significant frequency in large population cohorts (gnomAD); In silico analysis suggests that this missense variant does not alter protein structure/function; Has not been previously published as pathogenic or benign to our knowledge

NM_020791.4(TAOK1):c.439A>G (p.Met147Val)

Gene: TAOK1 (TAO kinase 1; plus strand). Cytogenetic location: 17q11.2.
Variant type: single nucleotide variant.
Coding change: c.439A>G on transcript NM_020791.4 (MANE Select); coding-DNA position 439, A replaced by G.
Protein change: p.Met147Val; replaces methionine 147 with valine.
Molecular consequence: missense variant.
Genome position (GRCh38, 1-based): chr17:29,478,337, A>G. VCF-style: chr17-29478337-A-G. GRCh37 (hg19) VCF-style: chr17-27805355-A-G.
Other names: c.439A>G, p.Met147Val (NM_025142.1); short protein forms M147V.
Identifiers: ClinVar variation 4536550 (VCV004536550.1).